The following is an entry in ClinVar:

ClinVar aggregate classification (germline): Likely benign (1 of 4 stars; one submission).

Allele frequency attached by ClinVar (database versions not stated): ExAC 0.00555.

Submission:

CeGaT Center for Human Genetics Tuebingen
Classification: Likely benign. Last evaluated: 2023-04-01. Review status: criteria provided, single submitter. Criteria: CeGaT Center For Human Genetics Tuebingen Variant Classification Criteria Version 2. Collection method: clinical testing. Allele origin: germline. Affected: yes. Observed: 1 variant allele.
Comment: CSPG4: BP4

NM_001897.5(CSPG4):c.736C>T (p.Arg246Trp)

Gene: CSPG4 (chondroitin sulfate proteoglycan 4; minus strand). Cytogenetic location: 15q24.2.
Variant type: single nucleotide variant.
Coding change: c.736C>T on transcript NM_001897.5 (MANE Select); coding-DNA position 736, C replaced by T.
Protein change: p.Arg246Trp; replaces arginine 246 with tryptophan.
Molecular consequence: missense variant.
Genome position (GRCh38, 1-based): chr15:75,690,329, G>A on the plus strand (C>T on the coding strand, the complement: CSPG4 is on the minus strand). VCF-style: chr15-75690329-G-A. GRCh37 (hg19) VCF-style: chr15-75982670-G-A.
Other names: short protein forms R246W.
Identifiers: ClinVar variation 2645578 (VCV002645578.24), dbSNP rs138907286, ClinGen allele CA7670781.
Genomic context (GRCh38, chr15:75,690,329, plus strand): 5'-TCTCCACCACGGCCCGCAGGTGGCCCTCAAATATGTCCACATAGATGAAGTCCCCACGCC[G>A]GCCCCCTGCCTGGAAGGCCAAGGGTGCCTGCCGGCTCTGTGTGGTGAGTGTAAACTCTAG-3'
Protein context (NP_001888.2, residues 236-256): QAPLAFQAGG[Arg246Trp]RGDFIYVDIF